The following is an entry in ClinVar:

NM_001829.4(CLCN3):c.167A>T (p.His56Leu)

Gene: CLCN3 (Cl-/H+ antiporter 3; plus strand). Cytogenetic location: 4q33.
Variant type: single nucleotide variant.
Coding change: c.167A>T on transcript NM_001829.4 (MANE Select); coding-DNA position 167, A replaced by T.
Protein change: p.His56Leu; replaces histidine 56 with leucine.
Molecular consequence: missense variant.
Genome position (GRCh38, 1-based): chr4:169,680,056, A>T. VCF-style: chr4-169680056-A-T. GRCh37 (hg19) VCF-style: chr4-170601207-A-T.
Other names: c.167A>T, p.His56Leu (NM_001243372.2, NM_173872.4); c.86A>T, p.His29Leu (NM_001243374.2); short protein forms H29L, H56L.
Identifiers: ClinVar variation 4839908 (VCV004839908.1).

ClinVar aggregate classification (germline): Uncertain significance (1 of 4 stars; one submission).

Conditions:
Inborn genetic diseases. Identifiers: MedGen C0950123, MeSH D030342.

gnomAD v4.1: 2 of 1,611,482 alleles (0.00012%); highest among the groups gnomAD compares: South Asian, 0.0022%; no homozygotes.

Submission:

Ambry Genetics
Classification: Uncertain significance for Inborn genetic diseases. Last evaluated: 2026-02-16. Review status: criteria provided, single submitter. Criteria: Ambry Variant Classification Scheme 2023. Collection method: clinical testing. Allele origin: germline.
Comment: The c.167A>T (p.H56L) alteration is located in exon 1 (coding exon 1) of the CLCN3 gene. This alteration results from a A to T substitution at nucleotide position 167, causing the histidine (H) at amino acid position 56 to be replaced by a leucine (L). Based on data from gnomAD, the T allele has an overall frequency of 0.001% (3/251264) total alleles studied. The highest observed frequency was 0.016% (1/6130) of Other alleles. Based on insufficient or conflicting evidence, the clinical significance of this alteration remains unclear.